The following is an entry in ClinVar:

ClinVar aggregate classification (germline): Uncertain significance (1 of 4 stars; one submission).

Conditions:
Hereditary cancer-predisposing syndrome. Also called: Neoplastic Syndromes, Hereditary; Tumor predisposition; Hereditary neoplastic syndrome; Hereditary Cancer Syndrome. Identifiers: Orphanet 140162, MedGen C0027672, MeSH D009386, MONDO:0015356.

Submission:

Ambry Genetics
Classification: Uncertain significance for Hereditary cancer-predisposing syndrome. Last evaluated: 2019-04-12. Review status: criteria provided, single submitter. Criteria: Ambry Variant Classification Scheme 2023. Collection method: clinical testing. Allele origin: germline.
Comment: The c.4357_4358delCCinsTT variant, located in coding exon 15 of the APC gene, results from an in-frame deletion of CC and insertion of TT at nucleotide positions 4357 to 4358. This results in the substitution of the proline residue for a phenylalanine residue at codon 1453, an amino acid with dissimilar properties. This amino acid position is not well conserved in available vertebrate species. Since supporting evidence is limited at this time, the clinical significance of this alteration remains unclear.

NM_000038.6(APC):c.4357_4358delinsTT (p.Pro1453Phe)

Gene: APC (APC regulator of Wnt signaling pathway; plus strand). Cytogenetic location: 5q22.2.
Variant type: Indel.
Coding change: c.4357_4358delinsTT on transcript NM_000038.6 (MANE Select); coding-DNA positions 4357 to 4358, CC replaced by TT.
Protein change: p.Pro1453Phe; replaces proline 1453 with phenylalanine.
Molecular consequence: missense variant.
Genome position (GRCh38, 1-based): chr5:112,839,951-112,839,952, CC replaced by TT. VCF-style: chr5-112839951-CC-TT. GRCh37 (hg19) VCF-style: chr5-112175648-CC-TT.
Other names: c.4357_4358delinsTT, p.Pro1453Phe (NM_001127510.3, NM_001354895.2); c.4303_4304delinsTT, p.Pro1435Phe (NM_001127511.3); c.4411_4412delinsTT, p.Pro1471Phe (NM_001354896.2); c.4387_4388delinsTT, p.Pro1463Phe (NM_001354897.2); c.4282_4283delinsTT, p.Pro1428Phe (NM_001354898.2); c.4273_4274delinsTT, p.Pro1425Phe (NM_001354899.2); c.4234_4235delinsTT, p.Pro1412Phe (NM_001354900.2); c.4180_4181delinsTT, p.Pro1394Phe (NM_001354901.2); and 5 more; short protein forms P1463F, P1471F, P1170F, P1293F, P1362F, P1412F, P1453F, P1327F.
Identifiers: ClinVar variation 824819 (VCV000824819.4), dbSNP rs1580647017, ClinGen allele CA915943490.